The following is an entry in ClinVar:

NM_001013838.3(CARMIL2):c.2413C>T (p.Arg805Cys)

Gene: CARMIL2 (capping protein regulator and myosin 1 linker 2; plus strand). Cytogenetic location: 16q22.1.
Variant type: single nucleotide variant.
Coding change: c.2413C>T on transcript NM_001013838.3 (MANE Select); coding-DNA position 2413, C replaced by T.
Protein change: p.Arg805Cys; replaces arginine 805 with cysteine.
Molecular consequence: missense variant.
Genome position (GRCh38, 1-based): chr16:67,651,500, C>T. VCF-style: chr16-67651500-C-T. GRCh37 (hg19) VCF-style: chr16-67685403-C-T.
Other names: c.2305C>T, p.Arg769Cys (NM_001317026.3); short protein forms R769C, R805C.
Identifiers: ClinVar variation 1450720 (VCV001450720.7), dbSNP rs752624862, ClinGen allele CA8113780.
Genomic context (GRCh38, chr16:67,651,500, plus strand): 5'-CATCACTGGCAGCTTGGGCAGAAGCTGGAGGGCCTTCTGAGACAGGTGGGCGAGGTCTGC[C>T]GCCAGGACATCCAGGTGAGAGGGTACTCCTGCCCCAACCCCACCTCCGTTTGCAGGTTTG-3'
Protein context (NP_001013860.1, residues 795-815): GLLRQVGEVC[Arg805Cys]QDIQDFTQAT

ClinVar aggregate classification (germline): Uncertain significance. Review status: criteria provided, multiple submitters, no conflicts (2 of 4 stars). 3 submissions from 3 submitters: Uncertain significance (3). Last evaluated 2025-09-10.

Conditions:
Severe combined immunodeficiency due to CARMIL2 deficiency. Also called: IMMUNODEFICIENCY 58. Identifiers: Orphanet 542301, MedGen C4748304, MONDO:0029134, OMIM 618131.

Allele frequency attached by ClinVar (database versions not stated): gnomAD 0.00005 and 0.00006; gnomAD exomes 0.00005 and 0.00008; TOPMed 0.00006; ExAC 0.00015.
gnomAD v4.1: 76 of 1,591,042 alleles (0.0048%); highest among the groups gnomAD compares: Admixed American, 0.021%; no homozygotes.

Submissions (3):

Genomic Medicine Center of Excellence, King Faisal Specialist Hospital and Research Centre
Classification: Uncertain significance for Severe combined immunodeficiency due to CARMIL2 deficiency. Last evaluated: 2025-09-10. Review status: criteria provided, single submitter. Criteria: ACMG Guidelines, 2015. Collection method: clinical testing. Allele origin: germline.

Blueprint Genetics
Classification: Uncertain significance. Last evaluated: 2022-09-15. Review status: criteria provided, single submitter. Criteria: ACMG Guidelines, 2015. Collection method: clinical testing. Allele origin: germline.

Labcorp Genetics (formerly Invitae), Labcorp
Classification: Uncertain significance. Last evaluated: 2022-07-31. Review status: criteria provided, single submitter. Criteria: Invitae Variant Classification Sherloc (09022015). Collection method: clinical testing. Allele origin: germline.
Comment: This sequence change replaces arginine, which is basic and polar, with cysteine, which is neutral and slightly polar, at codon 805 of the CARMIL2 protein (p.Arg805Cys). This variant is present in population databases (rs752624862, gnomAD 0.03%). This variant has not been reported in the literature in individuals affected with CARMIL2-related conditions. ClinVar contains an entry for this variant (Variation ID: 1450720). Algorithms developed to predict the effect of missense changes on protein structure and function are either unavailable or do not agree on the potential impact of this missense change (SIFT: "Deleterious"; PolyPhen-2: "Possibly Damaging"; Align-GVGD: "Class C0"). In summary, the available evidence is currently insufficient to determine the role of this variant in disease. Therefore, it has been classified as a Variant of Uncertain Significance.